The following is an entry in ClinVar:

ClinVar aggregate classification (germline): Benign. Review status: criteria provided, multiple submitters, no conflicts (2 of 4 stars). 4 submissions from 4 submitters: Benign (4). Last evaluated 2026-02-04.

Conditions:
Epidermolysis bullosa simplex due to plakophilin deficiency. Also called: MCGRATH SYNDROME. Identifiers: Orphanet 158668, MedGen C1858302, MONDO:0011472, OMIM 604536.

Allele frequency attached by ClinVar (database versions not stated): gnomAD exomes 0.09615 and 0.10530; ExAC 0.13917; gnomAD 0.14504 and 0.14655; TOPMed 0.14588; 1000 Genomes Project 0.15096; ESP Exome Variant Server 0.15224; 1000 Genomes Project 30x 0.15631.
gnomAD v4.1: 162,931 of 1,610,546 alleles (10%); highest among the groups gnomAD compares: African/African-American, 28%; 10,283 homozygotes.

Submissions (4):

Labcorp Genetics (formerly Invitae), Labcorp
Classification: Benign. Last evaluated: 2026-02-04. Review status: criteria provided, single submitter. Criteria: Invitae Variant Classification Sherloc (09022015). Collection method: clinical testing. Allele origin: germline.

GeneDx
Classification: Benign. Last evaluated: 2018-11-12. Review status: criteria provided, single submitter. Criteria: GeneDx Variant Classification Process June 2021. Collection method: clinical testing. Allele origin: germline. Affected: yes.

Illumina Laboratory Services, Illumina
Classification: Benign for Epidermolysis bullosa simplex due to plakophilin deficiency. Last evaluated: 2018-01-13. Review status: criteria provided, single submitter. Criteria: ICSL Variant Classification Criteria 13 December 2019. Collection method: clinical testing. Allele origin: germline.
Comment: This variant was observed in the ICSL laboratory as part of a predisposition screen in an ostensibly healthy population. It had not been previously curated by ICSL or reported in the Human Gene Mutation Database (HGMD: prior to June 1st, 2018), and was therefore a candidate for classification through an automated scoring system. Utilizing variant allele frequency, disease prevalence and penetrance estimates, and inheritance mode, an automated score was calculated to assess if this variant is too frequent to cause the disease. Based on the score and internal cut-off values, a variant classified as benign is not then subjected to further curation. The score for this variant resulted in a classification of benign for this disease.

Breakthrough Genomics
Classification: Benign. Review status: criteria provided, single submitter. Criteria: ACMG Guidelines, 2015. Collection method: not provided. Allele origin: germline. Inheritance: Autosomal recessive inheritance. Affected: yes.

NM_001005337.3(PKP1):c.733C>T (p.Leu245=)

Gene: PKP1 (plakophilin 1; plus strand). Cytogenetic location: 1q32.1.
Variant type: single nucleotide variant.
Coding change: c.733C>T on transcript NM_001005337.3 (MANE Select); coding-DNA position 733, C replaced by T.
Protein change: p.Leu245=; no amino-acid change (leucine 245 retained).
Molecular consequence: synonymous variant.
Genome position (GRCh38, 1-based): chr1:201,316,584, C>T. VCF-style: chr1-201316584-C-T. GRCh37 (hg19) VCF-style: chr1-201285712-C-T.
Other names: c.733C>T, p.Leu245= (NM_000299.4).
Identifiers: ClinVar variation 294810 (VCV000294810.14), dbSNP rs7514146, ClinGen allele CA1324177.